The following is an entry in ClinVar:

NM_006269.2(RP1):c.2951A>G (p.Asp984Gly)

Gene: RP1 (RP1 axonemal microtubule associated; plus strand). Cytogenetic location: 8q12.1.
Variant type: single nucleotide variant.
Coding change: c.2951A>G on transcript NM_006269.2 (MANE Select); coding-DNA position 2951, A replaced by G.
Protein change: p.Asp984Gly; replaces aspartic acid 984 with glycine.
Molecular consequence: missense variant. On other transcripts: intron variant (1).
Genome position (GRCh38, 1-based): chr8:54,626,833, A>G. VCF-style: chr8-54626833-A-G. GRCh37 (hg19) VCF-style: chr8-55539393-A-G.
Other names: c.787+4545A>G (NM_001375654.1); short protein forms D984G.
Identifiers: ClinVar variation 1405749 (VCV001405749.9), dbSNP rs200135800, ClinGen allele CA4751615.

ClinVar aggregate classification (germline): Uncertain significance. Review status: criteria provided, multiple submitters, no conflicts (2 of 4 stars). 2 submissions from 2 submitters: Uncertain significance (2). Last evaluated 2024-12-13.

Conditions:
Retinal dystrophy. Also called: Inherited retinal dystrophy. Identifiers: Orphanet 71862, MedGen C0854723, MeSH D058499, MONDO:0019118, HP:0000556.

Allele frequency attached by ClinVar (database versions not stated): gnomAD 0.00002 and 0.00005; TOPMed 0.00003; ExAC 0.00010; gnomAD exomes 0.00010.
gnomAD v4.1: 105 of 1,613,866 alleles (0.0065%); highest among the groups gnomAD compares: East Asian, 0.22%; no homozygotes.

Submissions (2):

Labcorp Genetics (formerly Invitae), Labcorp
Classification: Uncertain significance. Last evaluated: 2024-12-13. Review status: criteria provided, single submitter. Criteria: Invitae Variant Classification Sherloc (09022015). Collection method: clinical testing. Allele origin: germline.
Comment: This sequence change replaces aspartic acid, which is acidic and polar, with glycine, which is neutral and non-polar, at codon 984 of the RP1 protein (p.Asp984Gly). This variant is present in population databases (rs200135800, gnomAD 0.1%). This missense change has been observed in individual(s) with clinical features of retinitis pigmentosa (PMID: 15933747, 16185528, 23049240, 23424971, 34073704). ClinVar contains an entry for this variant (Variation ID: 1405749). An algorithm developed to predict the effect of missense changes on protein structure and function outputs the following: PolyPhen-2: "Benign". The glycine amino acid residue is found in multiple mammalian species, which suggests that this missense change does not adversely affect protein function. In summary, the available evidence is currently insufficient to determine the role of this variant in disease. Therefore, it has been classified as a Variant of Uncertain Significance.

Dept Of Ophthalmology, Nagoya University
Classification: Uncertain significance for Retinal dystrophy. Last evaluated: 2023-10-01. Review status: criteria provided, single submitter. Criteria: Submitter's publication. Collection method: research. Allele origin: germline. Affected: yes.

Literature cited by the submitters: PubMed 15933747 (cited by Labcorp Genetics (formerly Invitae), Labcorp); PubMed 16185528 (cited by Labcorp Genetics (formerly Invitae), Labcorp); PubMed 23049240 (cited by Labcorp Genetics (formerly Invitae), Labcorp); PubMed 23424971 (cited by Labcorp Genetics (formerly Invitae), Labcorp); PubMed 34073704 (cited by Labcorp Genetics (formerly Invitae), Labcorp).